The following is an entry in ClinVar:

NM_007194.4(CHEK2):c.752T>A (p.Ile251Asn)

Gene: CHEK2 (checkpoint kinase 2; minus strand). Cytogenetic location: 22q12.1.
Variant type: single nucleotide variant.
Coding change: c.752T>A on transcript NM_007194.4 (MANE Select); coding-DNA position 752, T replaced by A.
Protein change: p.Ile251Asn; replaces isoleucine 251 with asparagine.
Molecular consequence: missense variant.
Genome position (GRCh38, 1-based): chr22:28,711,949, A>T on the plus strand (T>A on the coding strand, the complement: CHEK2 is on the minus strand). VCF-style: chr22-28711949-A-T. GRCh37 (hg19) VCF-style: chr22-29107937-A-T.
Other names: c.881T>A, p.Ile294Asn (NM_001005735.3); c.89T>A, p.Ile30Asn (NM_001257387.3); c.551T>A, p.Ile184Asn (NM_001349956.3); c.752T>A, p.Ile251Asn (NM_145862.3); short protein forms I184N, I294N, I30N, I251N.
Identifiers: ClinVar variation 943554 (VCV000943554.10), dbSNP rs2053410234, ClinGen allele CA411103216.
Genomic context (GRCh38, chr22:28,711,949, plus strand): 5'-AGCCTTTTATTGGTACTTACTGCCTCTCTTGCTGAACCAATAGCAAACTTCCTTTTGCTG[A>T]TGATCTTTATGGCTACTTTCTTACATGTTTTCCTCTCGAAAGCCAGCTTTACCTCTCCAC-3'
Protein context (NP_009125.1, residues 241-261): KTCKKVAIKI[Ile251Asn]SKRKFAIGSA

ClinVar aggregate classification (germline): Uncertain significance (1 of 4 stars; one submission).

Conditions:
Familial cancer of breast. Also called: hereditary breast carcinoma; BREAST CANCER, FAMILIAL; Hereditary breast cancer. Identifiers: Orphanet 227535, MedGen C0346153, MONDO:0016419, OMIM 114480. Disease mechanism: loss of function.

Submission:

Labcorp Genetics (formerly Invitae), Labcorp
Classification: Uncertain significance for Familial cancer of breast. Last evaluated: 2025-05-26. Review status: criteria provided, single submitter. Criteria: Invitae Variant Classification Sherloc (09022015). Collection method: clinical testing. Allele origin: germline.
Comment: This sequence change replaces isoleucine, which is neutral and non-polar, with asparagine, which is neutral and polar, at codon 251 of the CHEK2 protein (p.Ile251Asn). This variant is not present in population databases (gnomAD no frequency). This variant has not been reported in the literature in individuals affected with CHEK2-related conditions. ClinVar contains an entry for this variant (Variation ID: 943554). An algorithm developed to predict the effect of missense changes on protein structure and function (PolyPhen-2) suggests that this variant is likely to be disruptive. In summary, the available evidence is currently insufficient to determine the role of this variant in disease. Therefore, it has been classified as a Variant of Uncertain Significance.